The following is an entry in ClinVar:

ClinVar aggregate classification (germline): Uncertain significance (1 of 4 stars; one submission).

gnomAD v4.1: 1 of 1,613,632 alleles (0.000062%); highest among the groups gnomAD compares: Non-Finnish European, 0.000085%; no homozygotes.

Submission:

GeneDx
Classification: Uncertain significance. Last evaluated: 2025-08-12. Review status: criteria provided, single submitter. Criteria: GeneDx Variant Classification Process June 2021. Collection method: clinical testing. Allele origin: germline. Affected: yes.
Comment: Not observed at significant frequency in large population cohorts (gnomAD); In silico analysis suggests that this variant does not alter splicing; Has not been previously published as pathogenic or benign to our knowledge

NM_003742.4(ABCB11):c.2611-13T>G

Genes: ABCB11 (ATP binding cassette subfamily B member 11; minus strand), LOC126806400 (CDK7 strongly-dependent group 2 enhancer GRCh37_chr2:169791870-169793069; plus strand). Cytogenetic location: 2q31.1.
Variant type: single nucleotide variant.
Coding change: c.2611-13T>G on transcript NM_003742.4 (MANE Select); 13 bases into the intron before coding-DNA position 2611, T replaced by G.
Molecular consequence: intron variant.
Genome position (GRCh38, 1-based): chr2:168,936,446, A>C on the plus strand (T>G on the coding strand, the complement: ABCB11 is on the minus strand). VCF-style: chr2-168936446-A-C. GRCh37 (hg19) VCF-style: chr2-169792956-A-C.
Identifiers: ClinVar variation 4795380 (VCV004795380.1).
Genomic context (GRCh38, chr2:168,936,446, plus strand): 5'-GACGTTAGTGAAGGAATTGACTATCATCCCGATCTGAGAGCCGGCAGCCTGCAAACCAAA[A>C]AGCAATCAACCCGTCTCAGACACACAGTCGCTTTTACCAATTACCATTACACAAAAAGGT-3'